The following is an entry in ClinVar:

NM_001366385.1(CARD14):c.421C>G (p.Gln141Glu)

Gene: CARD14 (caspase recruitment domain family member 14; plus strand). Cytogenetic location: 17q25.3.
Variant type: single nucleotide variant.
Coding change: c.421C>G on transcript NM_001366385.1 (MANE Select); coding-DNA position 421, C replaced by G.
Protein change: p.Gln141Glu; replaces glutamine 141 with glutamic acid.
Molecular consequence: missense variant. On other transcripts: non-coding transcript variant (1).
Genome position (GRCh38, 1-based): chr17:80,183,984, C>G. VCF-style: chr17-80183984-C-G. GRCh37 (hg19) VCF-style: chr17-78157783-C-G.
Other names: c.421C>G, p.Gln141Glu (NM_001257970.1, NM_024110.4); short protein forms Q141E.
Identifiers: ClinVar variation 859576 (VCV000859576.10), dbSNP rs2040255696, ClinGen allele CA401336049.

ClinVar aggregate classification (germline): Uncertain significance (1 of 4 stars; one submission).

Conditions:
Pityriasis rubra pilaris (PRP). Also called: Pityriasis rubra pilaris--familial type. Identifiers: Orphanet 2897, MedGen C0032027, MONDO:0100017, OMIM 173200, MONDO:0008251.
Psoriasis 2. Identifiers: MedGen C1864497, MONDO:0011269, OMIM 602723.

Allele frequency attached by ClinVar (database versions not stated): TOPMed below 0.00001.

Submission:

Labcorp Genetics (formerly Invitae), Labcorp
Classification: Uncertain significance for Pityriasis rubra pilaris; Psoriasis 2. Last evaluated: 2023-03-08. Review status: criteria provided, single submitter. Criteria: Invitae Variant Classification Sherloc (09022015). Collection method: clinical testing. Allele origin: germline.
Comment: This sequence change replaces glutamine, which is neutral and polar, with glutamic acid, which is acidic and polar, at codon 141 of the CARD14 protein (p.Gln141Glu). This variant is not present in population databases (gnomAD no frequency). This variant has not been reported in the literature in individuals affected with CARD14-related conditions. ClinVar contains an entry for this variant (Variation ID: 859576). Advanced modeling of protein sequence and biophysical properties (such as structural, functional, and spatial information, amino acid conservation, physicochemical variation, residue mobility, and thermodynamic stability) performed at Invitae indicates that this missense variant is not expected to disrupt CARD14 protein function. In summary, the available evidence is currently insufficient to determine the role of this variant in disease. Therefore, it has been classified as a Variant of Uncertain Significance.